The following is an entry in ClinVar:

ClinVar aggregate classification (germline): Likely benign (0 of 4 stars; one submission).

Conditions:
CYP51A1-related disorder. Also called: CYP51A1-related condition.

Allele frequency attached by ClinVar (database versions not stated): gnomAD exomes 0.00006; ExAC 0.00018; gnomAD 0.00037; ESP Exome Variant Server 0.00039; 1000 Genomes Project 0.00040; TOPMed 0.00054; 1000 Genomes Project 30x 0.00062.
gnomAD v4.1: 144 of 1,597,892 alleles (0.009%); highest among the groups gnomAD compares: African/African-American, 0.16%; 1 homozygote.

Submissions (3):

PreventionGenetics, part of Exact Sciences
Classification: Likely benign for CYP51A1-related condition. Last evaluated: 2023-05-22. Review status: no assertion criteria provided. Collection method: clinical testing. Allele origin: germline.
Comment: This variant is classified as likely benign based on ACMG/AMP sequence variant interpretation guidelines (Richards et al. 2015 PMID: 25741868, with internal and published modifications).

Dr. Peter K. Rogan Lab, Western University
No classification provided (evidence only). Condition: Familial cancer of breast. Review status: no classification provided. Collection method: in vitro. Allele origin: not applicable. Functional consequence: cryptic splice site, retained intron. Not counted in ClinVar's aggregate classification.

Dr. Peter K. Rogan Lab, Western University
No classification provided (evidence only). Condition: Uterine corpus endometrial carcinoma. Review status: no classification provided. Collection method: in vitro. Allele origin: not applicable. Functional consequence: retained intron. Not counted in ClinVar's aggregate classification.

NM_000786.4(CYP51A1):c.44C>T (p.Ala15Val)

Gene: CYP51A1 (cytochrome P450 family 51 subfamily A member 1; minus strand). Cytogenetic location: 7q21.2.
Variant type: single nucleotide variant.
Coding change: c.44C>T on transcript NM_000786.4 (MANE Select); coding-DNA position 44, C replaced by T.
Protein change: p.Ala15Val; replaces alanine 15 with valine.
Molecular consequence: missense variant. On other transcripts: intron variant (1).
Genome position (GRCh38, 1-based): chr7:92,134,321, G>A on the plus strand (C>T on the coding strand, the complement: CYP51A1 is on the minus strand). VCF-style: chr7-92134321-G-A. GRCh37 (hg19) VCF-style: chr7-91763635-G-A.
Other names: NC_000007.13:g.91763635G>A; c.-124+345C>T (NM_001146152.2); short protein forms A15V.
Identifiers: ClinVar variation 3054962 (VCV003054962.3), dbSNP rs138006785, ClinGen allele CA4338700.